The following is an entry in ClinVar:

ClinVar aggregate classification (germline): Uncertain significance (1 of 4 stars; one submission).

Allele frequency attached by ClinVar (database versions not stated): TOPMed below 0.00001.
gnomAD v4.1: 1 of 1,614,172 alleles (0.000062%); no homozygotes.

Submission:

Labcorp Genetics (formerly Invitae), Labcorp
Classification: Uncertain significance. Last evaluated: 2021-12-18. Review status: criteria provided, single submitter. Criteria: Invitae Variant Classification Sherloc (09022015). Collection method: clinical testing. Allele origin: germline.
Comment: In summary, the available evidence is currently insufficient to determine the role of this variant in disease. Therefore, it has been classified as a Variant of Uncertain Significance. Algorithms developed to predict the effect of missense changes on protein structure and function are either unavailable or do not agree on the potential impact of this missense change (SIFT: "Deleterious"; PolyPhen-2: "Probably Damaging"; Align-GVGD: "Class C0"). This variant has not been reported in the literature in individuals affected with FERMT1-related conditions. This variant is not present in population databases (gnomAD no frequency). This sequence change replaces isoleucine, which is neutral and non-polar, with methionine, which is neutral and non-polar, at codon 651 of the FERMT1 protein (p.Ile651Met).

NM_017671.5(FERMT1):c.1953T>G (p.Ile651Met)

Gene: FERMT1 (FERM domain containing kindlin 1; minus strand). Cytogenetic location: 20p12.3.
Variant type: single nucleotide variant.
Coding change: c.1953T>G on transcript NM_017671.5 (MANE Select); coding-DNA position 1953, T replaced by G.
Protein change: p.Ile651Met; replaces isoleucine 651 with methionine.
Molecular consequence: missense variant.
Genome position (GRCh38, 1-based): chr20:6,077,254, A>C on the plus strand (T>G on the coding strand, the complement: FERMT1 is on the minus strand). VCF-style: chr20-6077254-A-C. GRCh37 (hg19) VCF-style: chr20-6057901-A-C.
Other names: short protein forms I651M.
Identifiers: ClinVar variation 1954264 (VCV001954264.5), dbSNP rs1271437014, ClinGen allele CA408175564.
Genomic context (GRCh38, chr20:6,077,254, plus strand): 5'-TTTGTGGAACAAGTCCTCATCGAGTGTTTCATTCTGGTCCTTGGAGCGGGTGGACAAGAA[A>C]ATGTAGCCGCCAATGTACTCGTGCACAATCTTGCAATCTGCACTCAGGCAGGTGAAAGCA-3'
Protein context (NP_060141.3, residues 641-661): KIVHEYIGGY[Ile651Met]FLSTRSKDQN